The following is an entry in ClinVar:

NM_024649.5(BBS1):c.48-8A>G

Gene: BBS1 (Bardet-Biedl syndrome 1; plus strand). Cytogenetic location: 11q13.2.
Variant type: single nucleotide variant.
Coding change: c.48-8A>G on transcript NM_024649.5 (MANE Select); 8 bases into the intron before coding-DNA position 48, A replaced by G.
Molecular consequence: intron variant.
Genome position (GRCh38, 1-based): chr11:66,511,005, A>G. VCF-style: chr11-66511005-A-G. GRCh37 (hg19) VCF-style: chr11-66278476-A-G.
Other names: c.48-8A>G (NM_024649.4).
Identifiers: ClinVar variation 1549734 (VCV001549734.9), dbSNP rs753125999, ClinGen allele CA6123219.

ClinVar aggregate classification (germline): Likely benign. Review status: criteria provided, single submitter (1 of 4 stars). 2 submissions from 2 submitters: Likely benign (1). 1 of the submissions does not count toward it. Last evaluated 2025-12-07.

Conditions:
BBS1-related disorder. Also called: BBS1-related condition.
Bardet-Biedl syndrome (BBS). Identifiers: Orphanet 110, MedGen C0752166, MONDO:0015229.

Allele frequency attached by ClinVar (database versions not stated): gnomAD exomes below 0.00001 and 0.00002; ExAC 0.00001.

Submissions (2):

Labcorp Genetics (formerly Invitae), Labcorp
Classification: Likely benign for Bardet-Biedl syndrome. Last evaluated: 2025-12-07. Review status: criteria provided, single submitter. Criteria: Invitae Variant Classification Sherloc (09022015). Collection method: clinical testing. Allele origin: germline.

PreventionGenetics, part of Exact Sciences
Classification: Likely benign for BBS1-related condition. Last evaluated: 2020-09-23. Review status: no assertion criteria provided. Collection method: clinical testing. Allele origin: germline. Not counted in ClinVar's aggregate classification.
Comment: This variant is classified as likely benign based on ACMG/AMP sequence variant interpretation guidelines (Richards et al. 2015 PMID: 25741868, with internal and published modifications).